The following is an entry in ClinVar:

ClinVar aggregate classification (germline): Uncertain significance (1 of 4 stars; one submission).

Allele frequency attached by ClinVar (database versions not stated): gnomAD exomes below 0.00001.
gnomAD v4.1: 5 of 1,613,924 alleles (0.00031%); highest among the groups gnomAD compares: Non-Finnish European, 0.00034%; no homozygotes.

Submission:

Labcorp Genetics (formerly Invitae), Labcorp
Classification: Uncertain significance. Last evaluated: 2022-03-12. Review status: criteria provided, single submitter. Criteria: Invitae Variant Classification Sherloc (09022015). Collection method: clinical testing. Allele origin: germline.
Comment: In summary, the available evidence is currently insufficient to determine the role of this variant in disease. Therefore, it has been classified as a Variant of Uncertain Significance. Algorithms developed to predict the effect of missense changes on protein structure and function are either unavailable or do not agree on the potential impact of this missense change (SIFT: "Deleterious"; PolyPhen-2: "Not Available"; Align-GVGD: "Class C0"). This variant has not been reported in the literature in individuals affected with PCLO-related conditions. This variant is not present in population databases (gnomAD no frequency). This sequence change replaces serine, which is neutral and polar, with leucine, which is neutral and non-polar, at codon 971 of the PCLO protein (p.Ser971Leu).

NM_033026.6(PCLO):c.2912C>T (p.Ser971Leu)

Gene: PCLO (piccolo presynaptic cytomatrix protein; minus strand). Cytogenetic location: 7q21.11.
Variant type: single nucleotide variant.
Coding change: c.2912C>T on transcript NM_033026.6 (MANE Select); coding-DNA position 2912, C replaced by T.
Protein change: p.Ser971Leu; replaces serine 971 with leucine.
Molecular consequence: missense variant.
Genome position (GRCh38, 1-based): chr7:83,134,638, G>A on the plus strand (C>T on the coding strand, the complement: PCLO is on the minus strand). VCF-style: chr7-83134638-G-A. GRCh37 (hg19) VCF-style: chr7-82763954-G-A.
Other names: c.2912C>T, p.Ser971Leu (NM_014510.3); short protein forms S971L.
Identifiers: ClinVar variation 2110081 (VCV002110081.4), dbSNP rs2484834198, ClinGen allele CA367898363.